The following is an entry in ClinVar:

ClinVar aggregate classification (germline): Benign (1 of 4 stars; one submission).

Allele frequency attached by ClinVar (database versions not stated): 1000 Genomes Project 30x 0.04888; 1000 Genomes Project 0.05032; TOPMed 0.07953; gnomAD 0.08016 and 0.08254.
gnomAD v4.1: 12,216 of 152,108 alleles (8%); highest among the groups gnomAD compares: Middle Eastern, 9.9%; 504 homozygotes.

Submission:

GeneDx
Classification: Benign. Last evaluated: 2018-06-14. Review status: criteria provided, single submitter. Criteria: GeneDx Variant Classification (06012015). Collection method: clinical testing. Allele origin: germline. Affected: yes.
Comment: This variant is considered likely benign or benign based on one or more of the following criteria: it is a conservative change, it occurs at a poorly conserved position in the protein, it is predicted to be benign by multiple in silico algorithms, and/or has population frequency not consistent with disease.

NM_138773.4(SLC25A46):c.563+190T>C

Gene: SLC25A46 (solute carrier family 25 member 46; plus strand). Cytogenetic location: 5q22.1.
Variant type: single nucleotide variant.
Coding change: c.563+190T>C on transcript NM_138773.4 (MANE Select); 190 bases into the intron after coding-DNA position 563, T replaced by C.
Molecular consequence: intron variant.
Genome position (GRCh38, 1-based): chr5:110,748,453, T>C. VCF-style: chr5-110748453-T-C. GRCh37 (hg19) VCF-style: chr5-110084154-T-C.
Other names: c.290+190T>C (NM_001303250.3); c.563+190T>C (NM_001303249.3).
Identifiers: ClinVar variation 671401 (VCV000671401.1), dbSNP rs6884604, ClinGen allele CA125343539.